The following is an entry in ClinVar:

ClinVar aggregate classification (germline): Benign/Likely benign. Review status: criteria provided, multiple submitters, no conflicts (2 of 4 stars). 11 submissions from 11 submitters: Benign (9); Likely benign (2). Last evaluated 2026-02-03.

Conditions:
Inborn genetic diseases. Identifiers: MedGen C0950123, MeSH D030342.
Neuropathy, hereditary sensory, type 2C. Also called: Hereditary sensory and autonomic neuropathy type IIC; KIF1A-Related HSAN2 (HSAN2C). Identifiers: Orphanet 970, MedGen C3280168, MONDO:0013634, OMIM 614213.
Intellectual disability, autosomal dominant 9 (NESCAVS). Also called: KIF1A-Related Neurodevelopmental Disorder; NESCAV SYNDROME. Identifiers: Orphanet 662367, MedGen C5393830, MONDO:0013656, OMIM 614255.
Hereditary spastic paraplegia 30. Identifiers: Orphanet 101010, MedGen C5235139, MONDO:0012476.
Hereditary spastic paraplegia. Also called: Familial spastic paraparesis. Identifiers: Orphanet 685, MedGen C0037773, MONDO:0019064. Disease mechanism: loss of function.

Allele frequency attached by ClinVar (database versions not stated): 1000 Genomes Project 30x 0.00531; 1000 Genomes Project 0.00539; TOPMed 0.00760; ESP Exome Variant Server 0.00897; gnomAD 0.00979 and 0.00997; gnomAD exomes 0.01176; ExAC 0.01815.
gnomAD v4.1: 22,065 of 1,588,182 alleles (1.4%); highest among the groups gnomAD compares: Non-Finnish European, 1.5%; 189 homozygotes.

Submissions (11):

Labcorp Genetics (formerly Invitae), Labcorp
Classification: Benign for Hereditary spastic paraplegia 30; Neuropathy, hereditary sensory, type 2C; Intellectual disability, autosomal dominant 9. Last evaluated: 2026-02-03. Review status: criteria provided, single submitter. Criteria: Invitae Variant Classification Sherloc (09022015). Collection method: clinical testing. Allele origin: germline.

ARUP Laboratories, Molecular Genetics and Genomics, ARUP Laboratories
Classification: Benign. Last evaluated: 2025-03-13. Review status: criteria provided, single submitter. Criteria: ARUP Molecular Germline Variant Investigation Process 2024. Collection method: clinical testing. Allele origin: germline.

Athena Diagnostics
Classification: Benign. Last evaluated: 2024-09-12. Review status: criteria provided, single submitter. Criteria: Athena Diagnostics Criteria. Collection method: clinical testing. Allele origin: unknown.

CeGaT Center for Human Genetics Tuebingen
Classification: Benign. Last evaluated: 2024-08-01. Review status: criteria provided, single submitter. Criteria: CeGaT Center For Human Genetics Tuebingen Variant Classification Criteria Version 2. Collection method: clinical testing. Allele origin: germline. Affected: yes. Observed: 42 variant alleles.
Comment: KIF1A: BP4, BP7, BS1, BS2

Genetic Services Laboratory, University of Chicago
Classification: Benign. Last evaluated: 2021-11-16. Review status: criteria provided, single submitter. Criteria: ACMG Guidelines, 2015. Collection method: clinical testing. Allele origin: germline. Affected: no.

Genome Diagnostics Laboratory, The Hospital for Sick Children
Classification: Benign for Hereditary spastic paraplegia. Last evaluated: 2021-11-11. Review status: criteria provided, single submitter. Criteria: ACMG Guidelines, 2015. Collection method: clinical testing. Allele origin: germline. Affected: yes.

Illumina Laboratory Services, Illumina
Classification: Likely benign for Spastic paraplegia 30A, autosomal dominant. Last evaluated: 2018-01-13. Review status: criteria provided, single submitter. Criteria: ICSL Variant Classification Criteria 13 December 2019. Collection method: clinical testing. Allele origin: germline.
Comment: This variant was observed in the ICSL laboratory as part of a predisposition screen in an ostensibly healthy population. It had not been previously curated by ICSL or reported in the Human Gene Mutation Database (HGMD: prior to June 1st, 2018), and was therefore a candidate for classification through an automated scoring system. Utilizing variant allele frequency, disease prevalence and penetrance estimates, and inheritance mode, an automated score was calculated to assess if this variant is too frequent to cause the disease. Based on the score and internal cut-off values, a variant classified as likely benign is not then subjected to further curation. The score for this variant resulted in a classification of likely benign for this disease.

Ambry Genetics
Classification: Benign for Inborn genetic diseases. Last evaluated: 2016-06-09. Review status: criteria provided, single submitter. Criteria: Ambry Variant Classification Scheme 2023. Collection method: clinical testing. Allele origin: germline.

Mayo Clinic Laboratories, Mayo Clinic
Classification: Benign. Last evaluated: 2015-10-21. Review status: criteria provided, single submitter. Criteria: ACMG Guidelines, 2015. Collection method: clinical testing. Allele origin: germline. Observed: 44 variant alleles.

GeneDx
Classification: Benign. Last evaluated: 2014-05-29. Review status: criteria provided, single submitter. Criteria: GeneDx Variant Classification (06012015). Collection method: clinical testing. Allele origin: germline. Affected: yes.
Comment: This variant is considered likely benign or benign based on one or more of the following criteria: it is a conservative change, it occurs at a poorly conserved position in the protein, it is predicted to be benign by multiple in silico algorithms, and/or has population frequency not consistent with disease.

Breakthrough Genomics
Classification: Likely benign. Review status: criteria provided, single submitter. Criteria: ACMG Guidelines, 2015. Collection method: not provided. Allele origin: germline. Inheritance: Autosomal recessive inheritance. Affected: yes.

Literature cited by the submitters: PubMed 32343762 (cited by Athena Diagnostics); PubMed 28927378 (cited by Athena Diagnostics).

NM_001244008.2(KIF1A):c.2385C>T (p.Ala795=)

Gene: KIF1A (kinesin family member 1A; minus strand). Cytogenetic location: 2q37.3.
Variant type: single nucleotide variant.
Coding change: c.2385C>T on transcript NM_001244008.2 (MANE Select); coding-DNA position 2385, C replaced by T.
Protein change: p.Ala795=; no amino-acid change (alanine 795 retained).
Molecular consequence: synonymous variant.
Genome position (GRCh38, 1-based): chr2:240,760,724, G>A on the plus strand (C>T on the coding strand, the complement: KIF1A is on the minus strand). VCF-style: chr2-240760724-G-A. GRCh37 (hg19) VCF-style: chr2-241700141-G-A.
Other names: p.A786A:GCC>GCT; p.Ala786=; c.2385C>T, p.Ala795= (NM_001320705.2, NM_001330289.2, NM_001379638.1); c.2460C>T, p.Ala820= (NM_001330290.2, NM_001379631.1, NM_001379634.1 and 2 more transcripts); c.2358C>T, p.Ala786= (NM_001379632.1, NM_001379633.1, NM_001379636.1 and 10 more transcripts); c.2433C>T, p.Ala811= (NM_001379637.1, NM_001379648.1); c.2358C>T (NM_004321.7).
Identifiers: ClinVar variation 129387 (VCV000129387.69), dbSNP rs62637652, ClinGen allele CA153357.